The following is an entry in ClinVar:

NM_032380.5(GFM2):c.1048C>T (p.Pro350Ser)

Gene: GFM2 (GTP dependent ribosome recycling factor mitochondrial 2; minus strand). Cytogenetic location: 5q13.3.
Variant type: single nucleotide variant.
Coding change: c.1048C>T on transcript NM_032380.5 (MANE Select); coding-DNA position 1048, C replaced by T.
Protein change: p.Pro350Ser; replaces proline 350 with serine.
Molecular consequence: missense variant. On other transcripts: non-coding transcript variant (1).
Genome position (GRCh38, 1-based): chr5:74,740,020, G>A on the plus strand (C>T on the coding strand, the complement: GFM2 is on the minus strand). VCF-style: chr5-74740020-G-A. GRCh37 (hg19) VCF-style: chr5-74035845-G-A.
Other names: c.1144C>T, p.Pro382Ser (NM_001281302.2); c.1048C>T, p.Pro350Ser (NM_170681.3, NM_170691.3); short protein forms P350S, P382S.
Identifiers: ClinVar variation 1485280 (VCV001485280.6), dbSNP rs1743035307, ClinGen allele CA360080839.

ClinVar aggregate classification (germline): Uncertain significance (1 of 4 stars; one submission).

gnomAD v4.1: 1 of 1,588,670 alleles (0.000063%); highest among the groups gnomAD compares: Admixed American, 0.0018%; no homozygotes.

Submission:

Labcorp Genetics (formerly Invitae), Labcorp
Classification: Uncertain significance. Last evaluated: 2021-10-07. Review status: criteria provided, single submitter. Criteria: Invitae Variant Classification Sherloc (09022015). Collection method: clinical testing. Allele origin: germline.
Comment: In summary, the available evidence is currently insufficient to determine the role of this variant in disease. Therefore, it has been classified as a Variant of Uncertain Significance. Algorithms developed to predict the effect of missense changes on protein structure and function are either unavailable or do not agree on the potential impact of this missense change (SIFT: "Deleterious"; PolyPhen-2: "Probably Damaging"; Align-GVGD: "Class C0"). This variant has not been reported in the literature in individuals affected with GFM2-related conditions. This variant is not present in population databases (ExAC no frequency). This sequence change replaces proline with serine at codon 350 of the GFM2 protein (p.Pro350Ser). The proline residue is highly conserved and there is a moderate physicochemical difference between proline and serine.